The following is an entry in ClinVar:

NM_001563.4(IMPG1):c.1823T>C (p.Leu608Pro)

Gene: IMPG1 (interphotoreceptor matrix proteoglycan 1; minus strand). Cytogenetic location: 6q14.1.
Variant type: single nucleotide variant.
Coding change: c.1823T>C on transcript NM_001563.4 (MANE Select); coding-DNA position 1823, T replaced by C.
Protein change: p.Leu608Pro; replaces leucine 608 with proline.
Molecular consequence: missense variant.
Genome position (GRCh38, 1-based): chr6:75,950,563, A>G on the plus strand (T>C on the coding strand, the complement: IMPG1 is on the minus strand). VCF-style: chr6-75950563-A-G. GRCh37 (hg19) VCF-style: chr6-76660280-A-G.
Other names: c.1589T>C, p.Leu530Pro (NM_001282368.2); short protein forms L530P, L608P.
Identifiers: ClinVar variation 971121 (VCV000971121.9), dbSNP rs1782005418, ClinGen allele CA364776392.

ClinVar aggregate classification (germline): Conflicting classifications of pathogenicity. Review status: criteria provided, conflicting classifications (1 of 4 stars). 2 submissions from 2 submitters: Likely pathogenic (1); Uncertain significance (1). Last evaluated 2024-10-10.

Conditions:
IMPG1-related disorder. Also called: IMPG1-related condition.

Submissions (2):

Labcorp Genetics (formerly Invitae), Labcorp
Classification: Uncertain significance. Last evaluated: 2024-10-10. Review status: criteria provided, single submitter. Criteria: Invitae Variant Classification Sherloc (09022015). Collection method: clinical testing. Allele origin: germline.
Comment: This sequence change replaces leucine, which is neutral and non-polar, with proline, which is neutral and non-polar, at codon 608 of the IMPG1 protein (p.Leu608Pro). This variant is not present in population databases (gnomAD no frequency). This missense change has been observed in individual(s) with autosomal dominant retinitis pigmentosa (PMID: 27596865). ClinVar contains an entry for this variant (Variation ID: 971121). An algorithm developed to predict the effect of missense changes on protein structure and function (PolyPhen-2) suggests that this variant is likely to be disruptive. In summary, the available evidence is currently insufficient to determine the role of this variant in disease. Therefore, it has been classified as a Variant of Uncertain Significance.

Blueprint Genetics
Classification: Likely pathogenic for IMPG1-related disorders. Last evaluated: 2021-10-06. Review status: criteria provided, single submitter. Criteria: ACMG Guidelines, 2015. Collection method: clinical testing. Allele origin: germline. Affected: yes. Observed: 1 variant allele.

Literature cited by the submitters: PubMed 27596865 (cited by Labcorp Genetics (formerly Invitae), Labcorp).